The following is an entry in ClinVar:

ClinVar aggregate classification (germline): Conflicting classifications of pathogenicity. Review status: criteria provided, conflicting classifications (1 of 4 stars). 7 submissions from 7 submitters: Pathogenic (2); Likely pathogenic (2); Uncertain significance (2). 1 of the submissions does not count toward it. Last evaluated 2025-12-19.

Conditions:
CLN6-related disorder. Also called: CLN6-related condition.
Ceroid lipofuscinosis, neuronal, 6B (Kufs type). Also called: Neuronal ceroid lipofuscinosis 4A. Identifiers: Orphanet 700477, MedGen C5561927, MONDO:0008768, OMIM 204300.
Ceroid lipofuscinosis, neuronal, 6A. Also called: Neuronal ceroid lipofuscinosis, Gypsy/Indian early juvenile variant; Neuronal ceroid lipofuscinosis 6; Neuronal ceroid lipofuscinosis, late infantile, variant; CLN6-Related Neuronal Ceroid-Lipofuscinosis. Identifiers: Orphanet 168491, Orphanet 228363, MedGen C5551375, MONDO:0011144, OMIM 601780.
Neuronal ceroid lipofuscinosis. Also called: Neuronal Ceroid Lipofuscinoses. Identifiers: Orphanet 216, Orphanet 79263, MedGen C0027877, MONDO:0016295. Disease mechanism: loss of function.

Allele frequency attached by ClinVar (database versions not stated): gnomAD 0.00001 and 0.00002; gnomAD exomes 0.00001 and 0.00004; TOPMed 0.00002; ExAC 0.00005; 1000 Genomes Project 30x 0.00016; 1000 Genomes Project 0.00020.
gnomAD v4.1: 26 of 1,613,470 alleles (0.0016%); highest among the groups gnomAD compares: East Asian, 0.029%; no homozygotes.

Submissions (7):

Labcorp Genetics (formerly Invitae), Labcorp
Classification: Pathogenic for Neuronal ceroid lipofuscinosis. Last evaluated: 2025-12-19. Review status: criteria provided, single submitter. Criteria: Invitae Variant Classification Sherloc (09022015). Collection method: clinical testing. Allele origin: germline.
Comment: This sequence change replaces arginine, which is basic and polar, with tryptophan, which is neutral and slightly polar, at codon 103 of the CLN6 protein (p.Arg103Trp). This variant is present in population databases (rs201095412, gnomAD 0.03%). This missense change has been observed in individual(s) with neuronal ceroid lipofuscinosis and/or spinocerebellar ataxia (PMID: 18846690, 27903347, 31743419). In at least one individual the data is consistent with being in trans (on the opposite chromosome) from a pathogenic variant. ClinVar contains an entry for this variant (Variation ID: 498240). Invitae Evidence Modeling of protein sequence and biophysical properties (such as structural, functional, and spatial information, amino acid conservation, physicochemical variation, residue mobility, and thermodynamic stability) indicates that this missense variant is not expected to disrupt CLN6 protein function with a negative predictive value of 80%. This variant disrupts the p.Arg103 amino acid residue in CLN6. Other variant(s) that disrupt this residue have been determined to be pathogenic (PMID: 21549341, 30561534). This suggests that this residue is clinically significant, and that variants that disrupt this residue are likely to be disease-causing. For these reasons, this variant has been classified as Pathogenic.

Natera, Inc.
Classification: Likely pathogenic for Ceroid lipofuscinosis, neuronal, 6A. Last evaluated: 2025-11-26. Review status: criteria provided, single submitter. Criteria: Natera Variant Classification Schema (03/2026). Collection method: clinical testing. Allele origin: germline.
Comment: The c.307C>T variant in CLN6 is a missense variant predicted to cause substitution of arginine to tryptophan at amino acid 103. This variant has been observed in one or more individuals affected with the associated recessive disease, as either homozygous or compound heterozygous with a second variant (PMID: 36034292, 32961395, 31743419, 27903347). A different variant at the same position has been determined to be Pathogenic or Likely Pathogenic. Computational prediction algorithms indicate this variant is likely to affect gene or protein function. Given the available evidence, this variant is classified as Likely Pathogenic.

GeneDx
Classification: Uncertain significance. Last evaluated: 2024-11-13. Review status: criteria provided, single submitter. Criteria: GeneDx Variant Classification Process June 2021. Collection method: clinical testing. Allele origin: germline. Affected: yes.
Comment: In silico analysis supports that this missense variant has a deleterious effect on protein structure/function; Identified with a second CLN6 variant in patients with neuronal ceroid lipofuscinosis or spinocerebellar ataxia in the published literature, however, the pathogenicity of the second CLN6 variant is uncertain. Please note that PMID: 27903347 is written in Chinese (PMID: 31743419, 27903347); This variant is associated with the following publications: (PMID: 18846690, 30952489, 27903347, 36199823, 21549341, 31743419)

3billion
Classification: Pathogenic for CLN6-related disorder. Last evaluated: 2024-11-05. Review status: criteria provided, single submitter. Criteria: ACMG Guidelines, 2015. Collection method: clinical testing. Allele origin: germline. Affected: yes.
Comment: The variant is observed at an extremely low frequency in the gnomAD v4.1.0 dataset (total allele frequency: 0.002%). Predicted Consequence/Location: Missense variant. The majority of the known disease-causing variants of this gene are variants expected to result in premature termination of the protein. In silico tool predictions suggest damaging effect of the variant on gene or gene product [REVEL: 0.93 (>=0.6, sensitivity 0.68 and specificity 0.92); 3Cnet: 0.84 (>=0.6, sensitivity 0.72 and precision 0.9)]. The same nucleotide change resulting in the same amino acid change has been previously reported as pathogenic/likely pathogenic with strong evidence (ClinVar ID: VCV000498240 /3billion dataset). The variant has been reported to be in trans with a pathogenic variant as either compound heterozygous or homozygous in at least one similarly affected unrelated individual (3billion dataset). A different missense change at the same codon (p.Arg103Gln) has been reported as pathogenic/likely pathogenic with strong evidence (ClinVar ID: VCV000030600 /PMID: 21549341). Therefore, this variant is classified as Pathogenic according to the recommendation of ACMG/AMP guideline.

Fulgent Genetics
Classification: Likely pathogenic for Ceroid lipofuscinosis, neuronal, 6B (Kufs type); Ceroid lipofuscinosis, neuronal, 6A. Last evaluated: 2024-01-23. Review status: criteria provided, single submitter. Criteria: ACMG Guidelines, 2015. Collection method: clinical testing. Allele origin: germline.

Eurofins Ntd Llc (ga)
Classification: Uncertain significance. Last evaluated: 2016-12-02. Review status: criteria provided, single submitter. Criteria: EGL Classification Definitions 2015. Collection method: clinical testing. Allele origin: germline. Observed: 1 variant allele, 1 heterozygote.

Translational Research Program on Neuronal Ceroid Lipofuscinosis, Center for the Study of Inborn Errors of Metabolism
Classification: Pathogenic for Ceroid lipofuscinosis, neuronal, 6A. Review status: no assertion criteria provided. Collection method: research. Allele origin: inherited. Affected: yes. Observed: 1 variant allele. Not counted in ClinVar's aggregate classification.
Comment: Late Infantile NCL / Kufs disease

Literature cited by the submitters: PubMed 18846690 (cited by Labcorp Genetics (formerly Invitae), Labcorp); PubMed 27903347 (cited by Labcorp Genetics (formerly Invitae), Labcorp and Natera, Inc.); PubMed 31743419 (cited by Labcorp Genetics (formerly Invitae), Labcorp and Natera, Inc.); PubMed 21549341 (cited by Labcorp Genetics (formerly Invitae), Labcorp and 3billion); PubMed 30561534 (cited by Labcorp Genetics (formerly Invitae), Labcorp); PubMed 36034292 (cited by Natera, Inc.); PubMed 32961395 (cited by Natera, Inc.).

NM_017882.3(CLN6):c.307C>T (p.Arg103Trp)

Gene: CLN6 (CLN6 transmembrane ER protein; minus strand). Cytogenetic location: 15q23.
Variant type: single nucleotide variant.
Coding change: c.307C>T on transcript NM_017882.3 (MANE Select); coding-DNA position 307, C replaced by T.
Protein change: p.Arg103Trp; replaces arginine 103 with tryptophan.
Molecular consequence: missense variant.
Genome position (GRCh38, 1-based): chr15:68,211,854, G>A on the plus strand (C>T on the coding strand, the complement: CLN6 is on the minus strand). VCF-style: chr15-68211854-G-A. GRCh37 (hg19) VCF-style: chr15-68504192-G-A.
Other names: short protein forms R103W.
Identifiers: ClinVar variation 498240 (VCV000498240.19), dbSNP rs201095412, ClinGen allele CA7630628.
Genomic context (GRCh38, chr15:68,211,854, plus strand): 5'-CCATGATGAAGATGATGATGCTCACGTACGTGATGGAGCGTGGCAGGGTGCGGGGGGACC[G>A]CTCGATGAGCTGGGGTTCAGAGTGGGGTTGGCAGCATGACCCCACCTCTGTCACAGTATG-3'
Protein context (NP_060352.1, residues 93-113): TPFLLLKLIE[Arg103Trp]SPRTLPRSIT